The following is an entry in ClinVar:

NM_004863.4(SPTLC2):c.1051G>A (p.Ala351Thr)

Gene: SPTLC2 (serine palmitoyltransferase long chain base subunit 2; minus strand). Cytogenetic location: 14q24.3.
Variant type: single nucleotide variant.
Coding change: c.1051G>A on transcript NM_004863.4 (MANE Select); coding-DNA position 1051, G replaced by A.
Protein change: p.Ala351Thr; replaces alanine 351 with threonine.
Molecular consequence: missense variant.
Genome position (GRCh38, 1-based): chr14:77,555,425, C>T on the plus strand (G>A on the coding strand, the complement: SPTLC2 is on the minus strand). VCF-style: chr14-77555425-C-T. GRCh37 (hg19) VCF-style: chr14-78021768-C-T.
Other names: short protein forms A351T.
Identifiers: ClinVar variation 1483420 (VCV001483420.6), dbSNP rs773212643, ClinGen allele CA390708822.

ClinVar aggregate classification (germline): Uncertain significance (1 of 4 stars; one submission).

Conditions:
Neuropathy, hereditary sensory and autonomic, type 1C. Also called: HSAN IC; HSN IC. Identifiers: Orphanet 36386, MedGen C3150896, MONDO:0013337, OMIM 613640.

Allele frequency attached by ClinVar (database versions not stated): gnomAD 0.00001; gnomAD exomes 0.00001.
gnomAD v4.1: 11 of 1,614,044 alleles (0.00068%); highest among the groups gnomAD compares: East Asian, 0.0022%; no homozygotes.

Submission:

Labcorp Genetics (formerly Invitae), Labcorp
Classification: Uncertain significance for Neuropathy, hereditary sensory and autonomic, type 1C. Last evaluated: 2022-05-14. Review status: criteria provided, single submitter. Criteria: Invitae Variant Classification Sherloc (09022015). Collection method: clinical testing. Allele origin: germline.
Comment: In summary, the available evidence is currently insufficient to determine the role of this variant in disease. Therefore, it has been classified as a Variant of Uncertain Significance. Algorithms developed to predict the effect of missense changes on protein structure and function are either unavailable or do not agree on the potential impact of this missense change (SIFT: "Deleterious"; PolyPhen-2: "Possibly Damaging"; Align-GVGD: "Class C0"). This variant has not been reported in the literature in individuals affected with SPTLC2-related conditions. This variant is present in population databases (no rsID available, gnomAD 0.005%). This sequence change replaces alanine, which is neutral and non-polar, with threonine, which is neutral and polar, at codon 351 of the SPTLC2 protein (p.Ala351Thr).